The following is an entry in ClinVar:

ClinVar aggregate classification (germline): Uncertain significance. Review status: criteria provided, single submitter (1 of 4 stars). 2 submissions from 1 submitter: Uncertain significance (2). Last evaluated 2018-10-26.

Conditions:
Agammaglobulinemia 8b, autosomal recessive. Also called: AGAMMAGLOBULINEMIA, AUTOSOMAL RECESSIVE, DUE TO TCF3 DEFECT. Identifiers: MedGen C5676958, MONDO:0859234, OMIM 619824.
Agammaglobulinemia 8, autosomal dominant (AGM8A). Also called: AGAMMAGLOBULINEMIA 8A, AUTOSOMAL DOMINANT; AGAMMAGLOBULINEMIA, AUTOSOMAL DOMINANT, DUE TO TCF3 DEFECT. Identifiers: MedGen C4310786, MONDO:0014840, OMIM 616941.

Submissions (2):

Center for Genomics, Ann and Robert H. Lurie Children's Hospital of Chicago
Classification: Uncertain significance for Agammaglobulinemia 8, autosomal dominant. Last evaluated: 2018-10-26. Review status: criteria provided, single submitter. Criteria: ACMG Guidelines, 2015. Collection method: clinical testing. Allele origin: germline.
Comment: TCF3 NM_001136139.3 exon 17 p.Lys585= (c.1755G>A): This variant has not been reported in the literature and is not present in large control databases. Evolutionary conservation and computational predictive tools for this variant are limited or unavailable. Of note, this variant is a silent variant and does not change the amino acid, reducing the probability that this variant is disease causing. In summary, data on this variant is insufficient for disease classification. Therefore, the clinical significance of this variant is uncertain.

Center for Genomics, Ann and Robert H. Lurie Children's Hospital of Chicago
Classification: Uncertain significance for Agammaglobulinemia 8b, autosomal recessive; Agammaglobulinemia 8, autosomal dominant. Review status: criteria provided, single submitter. Criteria: ACMG Guidelines, 2015. Collection method: clinical testing. Allele origin: germline.
Comment: the same text as in the submission from Center for Genomics, Ann and Robert H. Lurie Children's Hospital of Chicago above.

NM_001136139.4(TCF3):c.1755G>A (p.Lys585=)

Gene: TCF3 (transcription factor 3; minus strand). Cytogenetic location: 19p13.3.
Variant type: single nucleotide variant.
Coding change: c.1755G>A on transcript NM_001136139.4 (MANE Plus Clinical); coding-DNA position 1755, G replaced by A.
Protein change: p.Lys585=; no amino-acid change (lysine 585 retained).
Molecular consequence: synonymous variant. On other transcripts: intron variant (2).
Genome position (GRCh38, 1-based): chr19:1,612,265, C>T on the plus strand (G>A on the coding strand, the complement: TCF3 is on the minus strand). VCF-style: chr19-1612265-C-T. GRCh37 (hg19) VCF-style: chr19-1612264-C-T.
Other names: c.1755G>A, p.Lys585= (NM_001351779.2); c.1820-416G>A (NM_001351778.2); c.1823-416G>A (NM_003200.5).
Identifiers: ClinVar variation 626182 (VCV000626182.3), dbSNP rs1568312916, ClinGen allele CA913191093.